The following is an entry in ClinVar:

NM_020975.6(RET):c.2136+9C>T

Gene: RET (ret proto-oncogene; plus strand). Cytogenetic location: 10q11.21.
Variant type: single nucleotide variant.
Coding change: c.2136+9C>T on transcript NM_020975.6 (MANE Select); 9 bases into the intron after coding-DNA position 2136, C replaced by T.
Molecular consequence: intron variant.
Genome position (GRCh38, 1-based): chr10:43,114,745, C>T. VCF-style: chr10-43114745-C-T. GRCh37 (hg19) VCF-style: chr10-43610193-C-T.
Other names: c.2136+9C>T (NM_020630.7, NM_001406743.1, NM_001406744.1 and 2 more transcripts); c.2001+9C>T (NM_001406765.1, NM_001406763.1); c.1740+9C>T (NM_001406772.1, NM_001406769.1); c.1698+9C>T (NM_001406773.1, NM_001406771.1); c.1239+9C>T (NM_001406782.1, NM_001406780.1, NM_001406779.1 and 1 more transcripts); c.1104+9C>T (NM_001406787.1); c.1119+9C>T (NM_001406785.1); c.2007+9C>T (NM_001406764.1, NM_001406762.1, NM_001406761.1); and 10 more.
Identifiers: ClinVar variation 706128 (VCV000706128.16), dbSNP rs1331402266, ClinGen allele CA593290004.

ClinVar aggregate classification (germline): Conflicting classifications of pathogenicity. Review status: criteria provided, conflicting classifications (1 of 4 stars). 4 submissions from 4 submitters: Uncertain significance (1); Likely benign (2). 1 of the submissions does not count toward it. Last evaluated 2025-03-29.

Conditions:
RET-related disorder. Also called: RET-related condition; RET-related disease; RET-related disorders.
Multiple endocrine neoplasia, type 2 (MEN2). Identifiers: Orphanet 653, MedGen C4048306, MONDO:0019003. Disease mechanism: gain of function.
Multiple endocrine neoplasia type 2A. Also called: MULTIPLE ENDOCRINE NEOPLASIA, TYPE IIA; PTC SYNDROME; SIPPLE SYNDROME; MEN 2A; MEN-2A syndrome; Pheochromocytoma and amyloid producing medullary thyroid carcinoma. Identifiers: Orphanet 247698, Orphanet 653, MedGen C0025268, MeSH D018813, MONDO:0008234, OMIM 171400.
Multiple endocrine neoplasia type 2B. Also called: MUCOSAL NEUROMA SYNDROME; Multiple endocrine neoplasia, type 3; MULTIPLE ENDOCRINE NEOPLASIA, TYPE IIB; Multiple Endocrine Neoplasia Type 2B (MEN2B); MEN IIB; NEUROMATA, MUCOSAL, WITH ENDOCRINE TUMORS. Identifiers: Orphanet 247709, Orphanet 653, MedGen C0025269, MeSH D018814, MONDO:0008082, OMIM 162300.
Hirschsprung disease, susceptibility to, 1 (HSCR1). Also called: RET-Related Hirschsprung Disease. Identifiers: Orphanet 388, MedGen C3888239, MONDO:0007723, OMIM 142623.
Pheochromocytoma. Also called: MAX-Related Hereditary Paraganglioma-Pheochromocytoma Syndrome. Identifiers: Orphanet 29072, MedGen C0031511, MONDO:0008233, OMIM 171300, HP:0002666.
Familial medullary thyroid carcinoma (MTC). Also called: Familial Medullary Thyroid Carcinoma (FMTC); Thyroid cancer, familial medullary; MTC, familial. Identifiers: Orphanet 653, Orphanet 99361, MedGen C1833921, MONDO:0007958, OMIM 155240.

Allele frequency attached by ClinVar (database versions not stated): gnomAD exomes 0.00001.
gnomAD v4.1: 3 of 1,604,612 alleles (0.00019%); highest among the groups gnomAD compares: Non-Finnish European, 0.00025%; no homozygotes.

Submissions (4):

Labcorp Genetics (formerly Invitae), Labcorp
Classification: Likely benign for Multiple endocrine neoplasia, type 2. Last evaluated: 2025-03-29. Review status: criteria provided, single submitter. Criteria: Invitae Variant Classification Sherloc (09022015). Collection method: clinical testing. Allele origin: germline.

Myriad Genetics, Inc.
Classification: Likely benign for Multiple endocrine neoplasia type 2A. Last evaluated: 2025-02-26. Review status: criteria provided, single submitter. Criteria: Myriad Autosomal Dominant, Autosomal Recessive and X-Linked Classification Criteria (2023). Collection method: clinical testing. Allele origin: unknown.
Comment: This variant is considered likely benign. This variant is intronic and is not expected to impact mRNA splicing.

Fulgent Genetics
Classification: Uncertain significance for Hirschsprung disease, susceptibility to, 1; Familial medullary thyroid carcinoma; Multiple endocrine neoplasia type 2B; Pheochromocytoma; Multiple endocrine neoplasia type 2A. Last evaluated: 2024-05-24. Review status: criteria provided, single submitter. Criteria: ACMG Guidelines, 2015. Collection method: clinical testing. Allele origin: germline.

PreventionGenetics, part of Exact Sciences
Classification: Likely benign for RET-related condition. Last evaluated: 2020-11-24. Review status: no assertion criteria provided. Collection method: clinical testing. Allele origin: germline. Not counted in ClinVar's aggregate classification.
Comment: This variant is classified as likely benign based on ACMG/AMP sequence variant interpretation guidelines (Richards et al. 2015 PMID: 25741868, with internal and published modifications).